The following is an entry in ClinVar:

NM_001204.7(BMPR2):c.251G>A (p.Cys84Tyr)

Gene: BMPR2 (bone morphogenetic protein receptor type 2; plus strand). Cytogenetic location: 2q33.1.
Variant type: single nucleotide variant.
Coding change: c.251G>A on transcript NM_001204.7 (MANE Select); coding-DNA position 251, G replaced by A.
Protein change: p.Cys84Tyr; replaces cysteine 84 with tyrosine.
Molecular consequence: missense variant.
Genome position (GRCh38, 1-based): chr2:202,467,522, G>A. VCF-style: chr2-202467522-G-A. GRCh37 (hg19) VCF-style: chr2-203332245-G-A.
Other names: NM_001204.7(BMPR2):c.251G>A; p.Cys84Tyr; short protein forms C84Y.
Identifiers: ClinVar variation 812796 (VCV000812796.5), dbSNP rs1085307197, ClinGen allele CA350399510.

ClinVar aggregate classification (germline): Pathogenic. Review status: reviewed by expert panel (3 of 4 stars). 3 submissions from 3 submitters: Pathogenic (1). 2 of the submissions do not count toward it. Last evaluated 2024-05-01.

Conditions:
Pulmonary arterial hypertension. Identifiers: Orphanet 182090, MedGen C2973725, MeSH D000081029, MONDO:0015924, HP:0002092.
Idiopathic and/or familial pulmonary arterial hypertension. Identifiers: Orphanet 422, MedGen C5679820, MONDO:0008347.

Submissions (3):

Clingen Pulmonary Hypertension Variant Curation Expert Panel, ClinGen
Classification: Pathogenic for Pulmonary arterial hypertension. Last evaluated: 2024-05-01. Review status: reviewed by expert panel. Criteria: ClinGen PH ACMG Specifications BMPR2 V1.1.0. Collection method: curation. Allele origin: germline. Inheritance: Autosomal dominant inheritance.
Comment: NM_001204.7 (BMPR2):c.251G>A (p.Cys84Tyr) The BMPR2 c.251G>A variant is a missense variant predicted to cause a cysteine to tyrosine substitution at amino acid 84 (p.Cys84Tyr). The variant is absent from gnomAD controls v.2.1.1 and gnomAD v4.0.0 (PM2_supporting). Four unrelated pulmonary arterial hypertension probands were identified with this variant (PMID: 31727138, PMID: 29650961 and 2 identified in the internal ClinGen Pulmonary Hypertension VCEP database) (PS4_moderate). BMPR2 p.Cys84Tyr is located within the conserved extracellular domain and is a Cys residue critical for protein function (PMID: 16429395, PMID: 9886286) (PM1_strong). A different amino acid change at the same position (p.Cys84Phe) was classified as pathogenic (PMID: 21737554, PMID: 28507310) (PM5). Two more amino acid changes, p.Cys84Arg and p.Cys84Gly, were reported to be pathogenic (PMID: 19555857). In silico prediction (REVEL =0.951) is consistent with a pathogenic effect for this variant (PP3). In summary, the variant meets the criteria to be classified as pathogenic for pulmonary arterial hypertension based on the ACMG/AMP criteria applied, as specified by the ClinGen Pulmonary Hypertension VCEP: PM2_sup, PS4_mod, PM1_strong, PM5, PP3 (VCEP specification version 1.1, 1/18/2024).

NIHR Bioresource Rare Diseases, University of Cambridge
Classification: Pathogenic for Pulmonary arterial hypertension. Review status: no assertion criteria provided. Collection method: research. Allele origin: unknown. Affected: yes. Observed: 1 variant allele. Not counted in ClinVar's aggregate classification.

Wendy Chung Laboratory, Boston Children's Hospital
No classification provided. Condition: Idiopathic and/or familial pulmonary arterial hypertension. Review status: no classification provided. Collection method: literature only. Allele origin: germline. Affected: yes. Not counted in ClinVar's aggregate classification.

Literature cited by the submitters: PubMed 32581362 (cited by NIHR Bioresource Rare Diseases, University of Cambridge); PubMed 31727138 (cited by Wendy Chung Laboratory, Boston Children's Hospital).